The following is an entry in ClinVar:

NM_005762.3(TRIM28):c.2026A>G (p.Lys676Glu)

Gene: TRIM28 (tripartite motif containing 28; plus strand). Cytogenetic location: 19q13.43.
Variant type: single nucleotide variant.
Coding change: c.2026A>G on transcript NM_005762.3 (MANE Select); coding-DNA position 2026, A replaced by G.
Protein change: p.Lys676Glu; replaces lysine 676 with glutamic acid.
Molecular consequence: missense variant.
Genome position (GRCh38, 1-based): chr19:58,549,780, A>G. VCF-style: chr19-58549780-A-G. GRCh37 (hg19) VCF-style: chr19-59061147-A-G.
Other names: short protein forms K676E.
Identifiers: ClinVar variation 4721774 (VCV004721774.1).

ClinVar aggregate classification (germline): Uncertain significance (1 of 4 stars; one submission).

gnomAD v4.1: 3 of 1,612,248 alleles (0.00019%); highest among the groups gnomAD compares: Admixed American, 0.0017%; no homozygotes.

Submission:

Labcorp Genetics (formerly Invitae), Labcorp
Classification: Uncertain significance. Last evaluated: 2025-11-12. Review status: criteria provided, single submitter. Criteria: Invitae Variant Classification Sherloc (09022015). Collection method: clinical testing. Allele origin: germline.
Comment: This sequence change replaces lysine, which is basic and polar, with glutamic acid, which is acidic and polar, at codon 676 of the TRIM28 protein (p.Lys676Glu). This variant is not present in population databases (gnomAD no frequency). This variant has not been reported in the literature in individuals affected with TRIM28-related conditions. Experimental studies and prediction algorithms are not available or were not evaluated, and the functional significance of this variant is currently unknown. In summary, the available evidence is currently insufficient to determine the role of this variant in disease. Therefore, it has been classified as a Variant of Uncertain Significance.